The following is an entry in ClinVar:

ClinVar aggregate classification (germline): Uncertain significance (1 of 4 stars; one submission).

Submission:

Labcorp Genetics (formerly Invitae), Labcorp
Classification: Uncertain significance. Last evaluated: 2025-08-08. Review status: criteria provided, single submitter. Criteria: Invitae Variant Classification Sherloc (09022015). Collection method: clinical testing. Allele origin: germline.
Comment: This variant, c.527_529dup, results in the insertion of 1 amino acid(s) of the RS1 protein (p.Phe176dup), but otherwise preserves the integrity of the reading frame. This variant is not present in population databases (gnomAD no frequency). This variant has not been reported in the literature in individuals affected with RS1-related conditions. In summary, the available evidence is currently insufficient to determine the role of this variant in disease. Therefore, it has been classified as a Variant of Uncertain Significance.

NM_000330.4(RS1):c.524TCT[3] (p.Phe176_Tyr177insPhe)

Genes: CDKL5 (cyclin dependent kinase like 5; plus strand), RS1 (retinoschisin 1; minus strand). Cytogenetic location: Xp22.13.
Variant type: Microsatellite.
Coding change: c.524TCT[3] on transcript NM_000330.4 (MANE Select); three copies in a row of the 3-base unit TCT starting at c.524; the reference has two copies in a row; one copy, 3 bases duplicated.
Protein change: p.Phe176_Tyr177insPhe.
Molecular consequence: inframe insertion. On other transcripts: intron variant (2).
Genome position (GRCh38, 1-based): chrX:18,642,150-18,642,152, AGA duplicated on the plus strand (TCT on the coding strand, the reverse complement: RS1 is on the minus strand); duplicating any 3 consecutive bases within chrX:18,642,150-18,642,155 gives the same sequence; the position shown is the placement nearest the transcript's 3' end. VCF-style (leftmost placement, unchanged base first): chrX-18642149-T-TAGA. GRCh37 (hg19) VCF-style: chrX-18660269-T-TAGA.
Other names: c.2714-3857AGA[3] (NM_003159.3, NM_001037343.2).
Identifiers: ClinVar variation 4715801 (VCV004715801.1).
Genomic context (GRCh38, chrX:18,642,149, plus strand): 5'-CGGGAGATGATGGGGGGCCGCAGCAGGTTCTGAACCGTGGAGGTGCGGTCCGAGTTGCCA[T>TAGA]AGAAGACCTAGAGAGATAGAGGAAATCCTGTCACCATCACATCGGGGAGGGAAAAGGAAG-3'